The following is an entry in ClinVar:

ClinVar aggregate classification (germline): not provided (0 of 4 stars; one submission).

Conditions:
Gestational diabetes mellitus uncontrolled. Identifiers: MedGen C3532257.

Submission:

Institute of Molecular and Cell Biology, University of Tartu
No classification provided. Condition: Gestational diabetes mellitus uncontrolled. Review status: no classification provided. Collection method: case-control. Allele origin: unknown. Affected: yes. Study: Kasak2014.
Comment: The study aimed to determine the contribution of copy number variants in the genetic etiology of normal and complicated pregnancies. The samples represented (i) maternal blood DNA drawn from healthy pregnant women during 1st or 2nd trimester and (ii) maternal and paternal blood DNA drawn at term pregnancy cases representing normal and complicated gestations (severe preeclampsia, PE; gestational diabetes, GD; small-for-gestational age newborn, SGA; large-for-gestational age newborn, LGA). We performed CNV calling based on genome-wide genotyping dataset (Illumina HumanOmniExpress-24-v1 BeadChip) by applying three algorithms, QuantiSNP, GADA (Genome Alteration Detection Algorithm) and CNstream in parallel. The acquired CNV calls were merged with HD-CNV (Hotspot Detector for Copy Number Variants) program and only the CNVs predicted by at least two programs, were considered in subsequent analysis.

Literature cited by the submitters: PubMed 25666259.

Single allele

Genes: AGAP10 (ArfGAP with GTPase domain, ankyrin repeat and PH domain 10), AGAP4 (ArfGAP with GTPase domain, ankyrin repeat and PH domain 4; minus strand), ANXA8L1 (annexin A8 like 1; plus strand), FAM25E (family with sequence similarity 25 member E; minus strand), GPRIN2 (G protein regulated inducer of neurite outgrowth 2) and 3 more. Cytogenetic location: 10q11.22.
Variant type: Duplication.
Identifiers: ClinVar variation 157160 (VCV000157160.2).